The following is an entry in ClinVar:

NM_032193.4(RNASEH2C):c.196C>T (p.Arg66Cys)

Gene: RNASEH2C (ribonuclease H2 subunit C; minus strand). Cytogenetic location: 11q13.1.
Variant type: single nucleotide variant.
Coding change: c.196C>T on transcript NM_032193.4 (MANE Select); coding-DNA position 196, C replaced by T.
Protein change: p.Arg66Cys; replaces arginine 66 with cysteine.
Molecular consequence: missense variant.
Genome position (GRCh38, 1-based): chr11:65,720,394, G>A on the plus strand (C>T on the coding strand, the complement: RNASEH2C is on the minus strand). VCF-style: chr11-65720394-G-A. GRCh37 (hg19) VCF-style: chr11-65487865-G-A.
Other names: short protein forms R66C.
Identifiers: ClinVar variation 1443071 (VCV001443071.6), dbSNP rs2135653318, ClinGen allele CA381299027.
Genomic context (GRCh38, chr11:65,720,394, plus strand): 5'-TCACCATCACGTATCCCACGAGGCCAGGCGGCACCGCCACCTCCTCTCCCCGTAGACAGC[G>A]GCCCCGAAACGACACTTCGAGTCCTGGAGCGGGAGGCGCAAAGGGCCTCAGGCAGGACCC-3'
Protein context (NP_115569.2, residues 56-76): PEGLEVSFRG[Arg66Cys]CLRGEEVAVP

ClinVar aggregate classification (germline): Uncertain significance (1 of 4 stars; one submission).

Conditions:
Aicardi-Goutieres syndrome 3. Identifiers: Orphanet 51, MedGen C1835916, MONDO:0012471, OMIM 610329.

Submission:

Labcorp Genetics (formerly Invitae), Labcorp
Classification: Uncertain significance for Aicardi-Goutieres syndrome 3. Last evaluated: 2021-07-29. Review status: criteria provided, single submitter. Criteria: Invitae Variant Classification Sherloc (09022015). Collection method: clinical testing. Allele origin: germline.
Comment: In summary, the available evidence is currently insufficient to determine the role of this variant in disease. Therefore, it has been classified as a Variant of Uncertain Significance. Algorithms developed to predict the effect of missense changes on protein structure and function (SIFT, PolyPhen-2, Align-GVGD) all suggest that this variant is likely to be disruptive. This missense change has been observed in individual(s) with clinical features of RNASEH2C-related conditions (PMID: 25604658). This variant is not present in population databases (ExAC no frequency). This sequence change replaces arginine with cysteine at codon 66 of the RNASEH2C protein (p.Arg66Cys). The arginine residue is highly conserved and there is a large physicochemical difference between arginine and cysteine.

Literature cited by the submitters: PubMed 25604658.